The following is an entry in ClinVar:

NM_022455.5(NSD1):c.4473G>A (p.Ser1491=)

Gene: NSD1 (nuclear receptor binding SET domain protein 1; plus strand). Cytogenetic location: 5q35.3.
Variant type: single nucleotide variant.
Coding change: c.4473G>A on transcript NM_022455.5 (MANE Select); coding-DNA position 4473, G replaced by A.
Protein change: p.Ser1491=; no amino-acid change (serine 1491 retained).
Molecular consequence: synonymous variant.
Genome position (GRCh38, 1-based): chr5:177,246,772, G>A. VCF-style: chr5-177246772-G-A. GRCh37 (hg19) VCF-style: chr5-176673773-G-A.
Other names: c.3600G>A, p.Ser1200= (NM_001365684.2, NM_001409306.1, NM_001409307.1 and 3 more transcripts); c.4473G>A, p.Ser1491= (NM_001409301.1, NM_001409302.1, NM_001409303.1); c.4053G>A, p.Ser1351= (NM_001409304.1); c.3720G>A, p.Ser1240= (NM_001409305.1).
Identifiers: ClinVar variation 380966 (VCV000380966.38), dbSNP rs150920473, ClinGen allele CA3577650.
Genomic context (GRCh38, chr5:177,246,772, plus strand): 5'-AAAACGACAGAGGCATGCTGCAGCCAAGATGCAGTGTAAAAAAGTGAAAAATGATGACTC[G>A]TCAAAAGAGATTCCAGGCTCAGAGGTATTACTCAGTTCCTGATCTTTTCACCTTCTAAAG-3'
Protein context (NP_071900.2, residues 1481-1501): MQCKKVKNDD[Ser1491=]SKEIPGSEGE

ClinVar aggregate classification (germline): Benign/Likely benign. Review status: criteria provided, multiple submitters, no conflicts (2 of 4 stars). 5 submissions from 5 submitters: Benign (2); Likely benign (3). Last evaluated 2025-08-03.

Conditions:
Sotos syndrome (SOTOS). Also called: Sotos' syndrome; CHROMOSOME 5q35 DELETION SYNDROME; CEREBRAL GIGANTISM; Distinctive facial appearance, overgrowth in childhood, and learning disabilities or delayed development; SOTOS SYNDROME 1. Identifiers: Orphanet 821, MedGen C0175695, MONDO:0019349, OMIM 117550.

Allele frequency attached by ClinVar (database versions not stated): TOPMed 0.00007; 1000 Genomes Project 30x 0.00016.
gnomAD v4.1: 124 of 1,613,164 alleles (0.0077%); highest among the groups gnomAD compares: East Asian, 0.1%; no homozygotes.

Submissions (5):

Labcorp Genetics (formerly Invitae), Labcorp
Classification: Likely benign. Last evaluated: 2025-08-03. Review status: criteria provided, single submitter. Criteria: Invitae Variant Classification Sherloc (09022015). Collection method: clinical testing. Allele origin: germline.

Blueprint Genetics
Classification: Likely benign. Last evaluated: 2024-11-21. Review status: criteria provided, single submitter. Criteria: ACMG Guidelines, 2015. Collection method: clinical testing. Allele origin: germline.

CeGaT Center for Human Genetics Tuebingen
Classification: Likely benign. Last evaluated: 2022-11-01. Review status: criteria provided, single submitter. Criteria: CeGaT Center For Human Genetics Tuebingen Variant Classification Criteria Version 2. Collection method: clinical testing. Allele origin: germline. Affected: yes. Observed: 1 variant allele.
Comment: NSD1: BP4, BP7

Genome-Nilou Lab
Classification: Benign for Sotos syndrome. Last evaluated: 2021-07-15. Review status: criteria provided, single submitter. Criteria: ACMG Guidelines, 2015. Collection method: clinical testing. Allele origin: germline. Affected: no.

GeneDx
Classification: Benign. Last evaluated: 2019-03-01. Review status: criteria provided, single submitter. Criteria: GeneDx Variant Classification Process June 2021. Collection method: clinical testing. Allele origin: germline. Affected: yes.
Comment: This variant is associated with the following publications: (PMID: 15742365)